The following is an entry in ClinVar:

ClinVar aggregate classification (germline): Uncertain significance. Review status: criteria provided, multiple submitters, no conflicts (2 of 4 stars). 5 submissions from 5 submitters: Uncertain significance (5). Last evaluated 2024-09-23.

Conditions:
Left ventricular noncompaction. Identifiers: Orphanet 54260, MedGen C1960469, MONDO:0018901, HP:0030682.
Cardiomyopathy (CMYO). Also called: Cardiomyopathies. Identifiers: Orphanet 167848, MedGen C0878544, MONDO:0004994, HP:0001638. Inheritance: Various modes of inheritance.
Arrhythmogenic cardiomyopathy with wooly hair and keratoderma. Also called: Dilated cardiomyopathy with woolly hair and keratoderma; Arrhythmogenic cardiomyopathy with woolly hair and keratoderma; PALMOPLANTAR KERATODERMA WITH LEFT VENTRICULAR CARDIOMYOPATHY AND WOOLLY HAIR; Carvajal syndrome. Identifiers: Orphanet 65282, MedGen C1854063, MONDO:0011581, OMIM 605676.
Arrhythmogenic right ventricular dysplasia 8 (ARVD8). Also called: ARRHYTHMOGENIC RIGHT VENTRICULAR DYSPLASIA, FAMILIAL, 8; ARRHYTHMOGENIC RIGHT VENTRICULAR CARDIOMYOPATHY 8; Arrhythmogenic Right Ventricular Dysplasia/Cardiomyopathy 8. Identifiers: MedGen C1843896, MONDO:0011831, OMIM 607450.

Allele frequency attached by ClinVar (database versions not stated): gnomAD exomes below 0.00001.
gnomAD v4.1: 2 of 1,613,976 alleles (0.00012%); highest among the groups gnomAD compares: Non-Finnish European, 0.00017%; no homozygotes.

Submissions (5):

All of Us Research Program, National Institutes of Health
Classification: Uncertain significance for Arrhythmogenic cardiomyopathy with wooly hair and keratoderma. Last evaluated: 2024-09-23. Review status: criteria provided, single submitter. Criteria: ACMG Guidelines, 2015. Collection method: clinical testing. Allele origin: germline. Inheritance: Autosomal dominant inheritance. Observed: 2 variant alleles, 2 heterozygotes.
Comment: This missense variant replaces leucine with proline at codon 965 of the DSP protein. Computational prediction suggests that this variant may have deleterious impact on protein structure and function (internally defined REVEL score threshold >= 0.7, PMID: 27666373). To our knowledge, functional studies have not been reported for this variant. This variant has been reported in one individual affected with dilated cardiomyopathy (PMID: 31983221). This variant has not been identified in the general population by the Genome Aggregation Database (gnomAD). The available evidence is insufficient to determine the role of this variant in disease conclusively. Therefore, this variant is classified as a Variant of Uncertain Significance.

This study involves interpretation of variants in research participants for the purpose of population health screening. Participant phenotype was not available at the time of variant classification. Additional details can be found in publication PMID: 35346344, PMCID: PMC8962531

Color Diagnostics, LLC DBA Color Health
Classification: Uncertain significance for Cardiomyopathy. Last evaluated: 2023-10-12. Review status: criteria provided, single submitter. Criteria: ACMG Guidelines, 2015. Collection method: clinical testing. Allele origin: germline.
Comment: This missense variant replaces leucine with proline at codon 965 of the DSP protein. Computational prediction suggests that this variant may have deleterious impact on protein structure and function. To our knowledge, functional studies have not been reported for this variant. This variant has been reported in one individual affected with dilated cardiomyopathy (PMID: 31983221). This variant has not been identified in the general population by the Genome Aggregation Database (gnomAD). The available evidence is insufficient to determine the role of this variant in disease conclusively. Therefore, this variant is classified as a Variant of Uncertain Significance.

Labcorp Genetics (formerly Invitae), Labcorp
Classification: Uncertain significance for Arrhythmogenic cardiomyopathy with wooly hair and keratoderma; Arrhythmogenic right ventricular dysplasia 8. Last evaluated: 2018-12-25. Review status: criteria provided, single submitter. Criteria: Invitae Variant Classification Sherloc (09022015). Collection method: clinical testing. Allele origin: germline.
Comment: In summary, the available evidence is currently insufficient to determine the role of this variant in disease. Therefore, it has been classified as a Variant of Uncertain Significance. Algorithms developed to predict the effect of missense changes on protein structure and function (SIFT, PolyPhen-2, Align-GVGD) all suggest that this variant is likely to be disruptive, but these predictions have not been confirmed by published functional studies and their clinical significance is uncertain. This variant has not been reported in the literature in individuals with DSP-related conditions. This variant is not present in population databases (ExAC no frequency). This sequence change replaces leucine with proline at codon 965 of the DSP protein (p.Leu965Pro). The leucine residue is highly conserved and there is a moderate physicochemical difference between leucine and proline.

Human Genome Sequencing Center Clinical Lab, Baylor College of Medicine
Classification: Uncertain significance for Arrhythmogenic right ventricular dysplasia, type 8. Review status: criteria provided, single submitter. Criteria: ACMG Guidelines, 2015. Collection method: clinical testing. Allele origin: germline.

Molecular Diagnostic Laboratory for Inherited Cardiovascular Disease, Montreal Heart Institute
Classification: Uncertain significance for Left ventricular noncompaction. Review status: criteria provided, single submitter. Criteria: ACMG Guidelines, 2015. Collection method: clinical testing. Allele origin: germline. Affected: yes.

Literature cited by the submitters: PubMed 31983221 (cited by All of Us Research Program, National Institutes of Health and Color Diagnostics, LLC DBA Color Health).

NM_004415.4(DSP):c.2894T>C (p.Leu965Pro)

Gene: DSP (desmoplakin; plus strand). Cytogenetic location: 6p24.3.
Variant type: single nucleotide variant.
Coding change: c.2894T>C on transcript NM_004415.4 (MANE Select); coding-DNA position 2894, T replaced by C.
Protein change: p.Leu965Pro; replaces leucine 965 with proline.
Molecular consequence: missense variant.
Genome position (GRCh38, 1-based): chr6:7,577,795, T>C. VCF-style: chr6-7577795-T-C. GRCh37 (hg19) VCF-style: chr6-7578028-T-C.
Other names: c.2894T>C (LRG_423t1); c.2894T>C, p.Leu965Pro (NM_001008844.3, NM_001319034.2); short protein forms L965P.
Identifiers: ClinVar variation 642389 (VCV000642389.13), dbSNP rs1581813405, ClinGen allele CA362682389.